The following is an entry in ClinVar:

NM_012281.3(KCND2):c.1044G>C (p.Gly348=)

Gene: KCND2 (potassium voltage-gated channel subfamily D member 2; plus strand). Cytogenetic location: 7q31.31.
Variant type: single nucleotide variant.
Coding change: c.1044G>C on transcript NM_012281.3 (MANE Select); coding-DNA position 1044, G replaced by C.
Protein change: p.Gly348=; no amino-acid change (glycine 348 retained).
Molecular consequence: synonymous variant.
Genome position (GRCh38, 1-based): chr7:120,275,676, G>C. VCF-style: chr7-120275676-G-C. GRCh37 (hg19) VCF-style: chr7-119915730-G-C.
Identifiers: ClinVar variation 1904435 (VCV001904435.9), dbSNP rs372893395, ClinGen allele CA4453567.

ClinVar aggregate classification (germline): Likely benign. Review status: criteria provided, multiple submitters, no conflicts (2 of 4 stars). 2 submissions from 2 submitters: Likely benign (2). Last evaluated 2026-02-01.

Conditions:
Early Myoclonic Encephalopathy. Identifiers: MedGen C0270855.

Allele frequency attached by ClinVar (database versions not stated): TOPMed below 0.00001; ESP Exome Variant Server 0.00008.
gnomAD v4.1: 16 of 1,602,914 alleles (0.001%); highest among the groups gnomAD compares: Admixed American, 0.0017%; no homozygotes.

Submissions (2):

CeGaT Center for Human Genetics Tuebingen
Classification: Likely benign. Last evaluated: 2026-02-01. Review status: criteria provided, single submitter. Criteria: CeGaT Center For Human Genetics Tuebingen Variant Classification Criteria Version 2. Collection method: clinical testing. Allele origin: germline. Affected: yes. Observed: 1 variant allele.
Comment: KCND2: BP4, BP7

Labcorp Genetics (formerly Invitae), Labcorp
Classification: Likely benign for Early Myoclonic Encephalopathy. Last evaluated: 2025-02-02. Review status: criteria provided, single submitter. Criteria: Invitae Variant Classification Sherloc (09022015). Collection method: clinical testing. Allele origin: germline.